The following is an entry in ClinVar:

NM_022725.4(FANCF):c.851G>C (p.Arg284Pro)

Gene: FANCF (FA complementation group F; minus strand). Cytogenetic location: 11p14.3.
Variant type: single nucleotide variant.
Coding change: c.851G>C on transcript NM_022725.4 (MANE Select); coding-DNA position 851, G replaced by C.
Protein change: p.Arg284Pro; replaces arginine 284 with proline.
Molecular consequence: missense variant.
Genome position (GRCh38, 1-based): chr11:22,624,960, C>G on the plus strand (G>C on the coding strand, the complement: FANCF is on the minus strand). VCF-style: chr11-22624960-C-G. GRCh37 (hg19) VCF-style: chr11-22646506-C-G.
Other names: short protein forms R284P.
Identifiers: ClinVar variation 1980767 (VCV001980767.4), dbSNP rs768798175, ClinGen allele CA5924247.

ClinVar aggregate classification (germline): Uncertain significance (1 of 4 stars; one submission).

Conditions:
Fanconi anemia (FA). Also called: Fanconi's anemia. Identifiers: Orphanet 84, MedGen C0015625, MeSH D005199, MONDO:0019391.

gnomAD v4.1: 3 of 1,614,204 alleles (0.00019%); highest among the groups gnomAD compares: East Asian, 0.0022%; no homozygotes.

Submission:

Labcorp Genetics (formerly Invitae), Labcorp
Classification: Uncertain significance for Fanconi anemia. Last evaluated: 2022-09-10. Review status: criteria provided, single submitter. Criteria: Invitae Variant Classification Sherloc (09022015). Collection method: clinical testing. Allele origin: germline.
Comment: In summary, the available evidence is currently insufficient to determine the role of this variant in disease. Therefore, it has been classified as a Variant of Uncertain Significance. Advanced modeling of protein sequence and biophysical properties (such as structural, functional, and spatial information, amino acid conservation, physicochemical variation, residue mobility, and thermodynamic stability) performed at Invitae indicates that this missense variant is not expected to disrupt FANCF protein function. This variant has not been reported in the literature in individuals affected with FANCF-related conditions. This variant is present in population databases (rs768798175, gnomAD 0.006%). This sequence change replaces arginine, which is basic and polar, with proline, which is neutral and non-polar, at codon 284 of the FANCF protein (p.Arg284Pro).